The following is an entry in ClinVar:

NM_006904.7(PRKDC):c.152T>A (p.Leu51Gln)

Genes: PRKDC (protein kinase, DNA-activated, catalytic subunit; minus strand), LOC130000337 (ATAC-STARR-seq lymphoblastoid silent region 19176; plus strand). Cytogenetic location: 8q11.21.
Variant type: single nucleotide variant.
Coding change: c.152T>A on transcript NM_006904.7 (MANE Select); coding-DNA position 152, T replaced by A.
Protein change: p.Leu51Gln; replaces leucine 51 with glutamine.
Molecular consequence: missense variant.
Genome position (GRCh38, 1-based): chr8:47,959,975, A>T on the plus strand (T>A on the coding strand, the complement: PRKDC is on the minus strand). VCF-style: chr8-47959975-A-T. GRCh37 (hg19) VCF-style: chr8-48872535-A-T.
Other names: c.152T>A, p.Leu51Gln (NM_001081640.2); short protein forms L51Q.
Identifiers: ClinVar variation 1774598 (VCV001774598.2), dbSNP rs1468283360, ClinGen allele CA371142576.
Genomic context (GRCh38, chr8:47,959,975, plus strand): 5'-TCCAGAACGACTCGGGAAGCCAGGACCCACCCGCGGCCCAGCTCGGGCCGGTACCCACCC[A>T]GCACCGCGGGGCTGCTGCTCAGGACGCATTCCTGCCCCAGGCCGCGGATCAGTTGATGAC-3'
Protein context (NP_008835.5, residues 41-61): ECVLSSSPAV[Leu51Gln]ALQTSLVFSR

ClinVar aggregate classification (germline): Uncertain significance (1 of 4 stars; one submission).

Allele frequency attached by ClinVar (database versions not stated): TOPMed below 0.00001; gnomAD 0.00001; gnomAD exomes 0.00001.
gnomAD v4.1: 7 of 1,518,784 alleles (0.00046%); highest among the groups gnomAD compares: Non-Finnish European, 0.00053%; no homozygotes.

Submission:

Ambry Genetics
Classification: Uncertain significance. Last evaluated: 2021-12-13. Review status: criteria provided, single submitter. Criteria: Ambry Variant Classification Scheme 2023. Collection method: clinical testing. Allele origin: germline.
Comment: The p.L51Q variant (also known as c.152T>A), located in coding exon 1 of the PRKDC gene, results from a T to A substitution at nucleotide position 152. The leucine at codon 51 is replaced by glutamine, an amino acid with dissimilar properties. This amino acid position is conserved. In addition, this alteration is predicted to be tolerated by in silico analysis. Since supporting evidence is limited at this time, the clinical significance of this alteration remains unclear.